The following is an entry in ClinVar:

NM_000455.5(STK11):c.93dup (p.Thr32fs)

Gene: STK11 (serine/threonine kinase 11; plus strand). Cytogenetic location: 19p13.3.
Variant type: Duplication.
Coding change: c.93dup on transcript NM_000455.5 (MANE Select); coding-DNA position 93, one base duplicated (C; older notation c.93dupC).
Protein change: p.Thr32fs; shifts the reading frame from threonine 32.
Molecular consequence: frameshift variant.
Genome position (GRCh38, 1-based): chr19:1,207,006, C duplicated; the last of 2 consecutive C bases (chr19:1,207,005-1,207,006); duplicating either gives the same sequence. VCF-style (leftmost placement, unchanged base first): chr19-1207004-T-TC. GRCh37 (hg19) VCF-style: chr19-1207003-T-TC.
Other names: c.93dupC (NM_000455.4); short protein forms T32fs.
Identifiers: ClinVar variation 428766 (VCV000428766.3), dbSNP rs1131690930, ClinGen allele CA645369772.

ClinVar aggregate classification (germline): Pathogenic (1 of 4 stars; one submission).

Conditions:
Hereditary cancer-predisposing syndrome. Also called: Hereditary Cancer Syndrome; Neoplastic Syndromes, Hereditary; Hereditary neoplastic syndrome; Tumor predisposition. Identifiers: Orphanet 140162, MedGen C0027672, MeSH D009386, MONDO:0015356.

Submission:

Ambry Genetics
Classification: Pathogenic for Hereditary cancer-predisposing syndrome. Last evaluated: 2013-05-02. Review status: criteria provided, single submitter. Criteria: Ambry Autosomal Dominant and X-Linked criteria (10/2015). Collection method: clinical testing. Allele origin: germline. Observed: 1 variant allele.
Comment: This alteration is expected to result in loss of function by premature protein truncation or nonsense-mediatedâ€¯mRNAâ€¯decay.â€¯As such, this alteration is interpreted as a disease-causing mutation.